The following is an entry in ClinVar:

ClinVar aggregate classification (germline): Likely pathogenic (1 of 4 stars; one submission).

Submission:

Labcorp Genetics (formerly Invitae), Labcorp
Classification: Likely pathogenic. Last evaluated: 2023-06-05. Review status: criteria provided, single submitter. Criteria: Invitae Variant Classification Sherloc (09022015). Collection method: clinical testing. Allele origin: germline.
Comment: In summary, the currently available evidence indicates that the variant is pathogenic, but additional data are needed to prove that conclusively. Therefore, this variant has been classified as Likely Pathogenic. Algorithms developed to predict the effect of sequence changes on RNA splicing suggest that this variant may disrupt the consensus splice site. ClinVar contains an entry for this variant (Variation ID: 860712). This variant has not been reported in the literature in individuals affected with VPS13A-related conditions. This variant is not present in population databases (gnomAD no frequency). This sequence change affects an acceptor splice site in intron 62 of the VPS13A gene. It is expected to disrupt RNA splicing. Variants that disrupt the donor or acceptor splice site typically lead to a loss of protein function (PMID: 16199547), and loss-of-function variants in VPS13A are known to be pathogenic (PMID: 12404112, 21598378).

Literature cited by the submitters: PubMed 16199547; PubMed 12404112; PubMed 21598378.

NM_033305.3(VPS13A):c.8554-1G>A

Gene: VPS13A (vacuolar protein sorting 13 homolog A; plus strand). Cytogenetic location: 9q21.2.
Variant type: single nucleotide variant.
Coding change: c.8554-1G>A on transcript NM_033305.3 (MANE Select); the canonical splice acceptor site of the intron before coding-DNA position 8554, G replaced by A.
Molecular consequence: splice acceptor variant.
Genome position (GRCh38, 1-based): chr9:77,369,298, G>A. VCF-style: chr9-77369298-G-A. GRCh37 (hg19) VCF-style: chr9-79984214-G-A.
Other names: c.8437-1G>A (NM_001018037.2); c.8554-1G>A (NM_015186.4, NM_001018038.3).
Identifiers: ClinVar variation 860712 (VCV000860712.8), dbSNP rs1832615773, ClinGen allele CA373865673.